The following is an entry in ClinVar:

ClinVar aggregate classification (germline): Uncertain significance (1 of 4 stars; one submission).

Conditions:
Gastrointestinal stromal tumor. Also called: Gastrointestinal stroma tumor; Gastrointestinal stromal tumor, somatic. Identifiers: Orphanet 44890, MedGen C0238198, MeSH D046152, MONDO:0011719, OMIM 606764, HP:0100723.

Submission:

Labcorp Genetics (formerly Invitae), Labcorp
Classification: Uncertain significance for Gastrointestinal stromal tumor. Last evaluated: 2022-10-03. Review status: criteria provided, single submitter. Criteria: Invitae Variant Classification Sherloc (09022015). Collection method: clinical testing. Allele origin: germline.
Comment: In summary, the available evidence is currently insufficient to determine the role of this variant in disease. Therefore, it has been classified as a Variant of Uncertain Significance. Algorithms developed to predict the effect of missense changes on protein structure and function (SIFT, PolyPhen-2, Align-GVGD) all suggest that this variant is likely to be tolerated. This variant has not been reported in the literature in individuals affected with PDGFRA-related conditions. This variant is not present in population databases (gnomAD no frequency). This sequence change replaces serine, which is neutral and polar, with threonine, which is neutral and polar, at codon 961 of the PDGFRA protein (p.Ser961Thr).

NM_006206.6(PDGFRA):c.2882G>C (p.Ser961Thr)

Gene: PDGFRA (platelet derived growth factor receptor alpha; plus strand). Cytogenetic location: 4q12.
Variant type: single nucleotide variant.
Coding change: c.2882G>C on transcript NM_006206.6 (MANE Select); coding-DNA position 2882, G replaced by C.
Protein change: p.Ser961Thr; replaces serine 961 with threonine.
Molecular consequence: missense variant.
Genome position (GRCh38, 1-based): chr4:54,290,314, G>C. VCF-style: chr4-54290314-G-C. GRCh37 (hg19) VCF-style: chr4-55156481-G-C.
Other names: c.2957G>C, p.Ser986Thr (NM_001347828.2); c.2882G>C, p.Ser961Thr (NM_001347829.2); c.2921G>C, p.Ser974Thr (NM_001347830.2); short protein forms S961T, S974T, S986T.
Identifiers: ClinVar variation 1720897 (VCV001720897.6), dbSNP rs2110347989, ClinGen allele CA356895907.
Genomic context (GRCh38, chr4:54,290,314, plus strand): 5'-TTCATTTTTGAGGTTTGGTTGTTAACACTTGATTAAATATGTTCAATGAATGTTTATAGA[G>C]TTATGAAAAAATTCACCTGGACTTCCTGAAGAGTGACCATCCTGCTGTGGCACGCATGCG-3'
Protein context (NP_006197.1, residues 951-971): ENLLPGQYKK[Ser961Thr]YEKIHLDFLK